The following is an entry in ClinVar:

NM_173689.7(CRB2):c.2703C>A (p.Arg901=)

Gene: CRB2 (crumbs cell polarity complex component 2; plus strand). Cytogenetic location: 9q33.3.
Variant type: single nucleotide variant.
Coding change: c.2703C>A on transcript NM_173689.7 (MANE Select); coding-DNA position 2703, C replaced by A.
Protein change: p.Arg901=; no amino-acid change (arginine 901 retained).
Molecular consequence: synonymous variant. On other transcripts: non-coding transcript variant (1).
Genome position (GRCh38, 1-based): chr9:123,373,234, C>A. VCF-style: chr9-123373234-C-A. GRCh37 (hg19) VCF-style: chr9-126135513-C-A.
Other names: c.2703C>A (NM_173689.6).
Identifiers: ClinVar variation 1135506 (VCV001135506.11), dbSNP rs1202191973, ClinGen allele CA467206025.
Genomic context (GRCh38, chr9:123,373,234, plus strand): 5'-GTTCAGCGGGCACAACGCGTCGTCAGGGCGCTTGCTCGGCGGCCTGTCGCTGGCCTTTCG[C>A]ACGCGCGACTCCGAGGCCTGGCTGCTGCGTGCCGCGGCGGGCGCCCTGGAAGGCGTGTGG-3'
Protein context (NP_775960.4, residues 891-911): RLLGGLSLAF[Arg901=]TRDSEAWLLR

ClinVar aggregate classification (germline): Likely benign. Review status: criteria provided, single submitter (1 of 4 stars). 2 submissions from 2 submitters: Likely benign (1). 1 of the submissions does not count toward it. Last evaluated 2019-10-30.

Conditions:
CRB2-related disorder. Also called: CRB2-related condition; CRB2-related disorders.

Submissions (2):

Labcorp Genetics (formerly Invitae), Labcorp
Classification: Likely benign. Last evaluated: 2019-10-30. Review status: criteria provided, single submitter. Criteria: Invitae Variant Classification Sherloc (09022015). Collection method: clinical testing. Allele origin: germline.

PreventionGenetics, part of Exact Sciences
Classification: Likely benign for CRB2-related condition. Last evaluated: 2023-07-12. Review status: no assertion criteria provided. Collection method: clinical testing. Allele origin: germline. Not counted in ClinVar's aggregate classification.
Comment: This variant is classified as likely benign based on ACMG/AMP sequence variant interpretation guidelines (Richards et al. 2015 PMID: 25741868, with internal and published modifications).